The following is an entry in ClinVar:

ClinVar aggregate classification (germline): Pathogenic (1 of 4 stars; one submission).

Conditions:
Cornelia de Lange syndrome 1 (CDLS1). Also called: TYPUS DEGENERATIVUS AMSTELODAMENSIS; Brachmann de Lange syndrome; NIPBL-Related Cornelia de Lange Syndrome. Identifiers: Orphanet 199, MedGen C4551851, MONDO:0007387, OMIM 122470.

Submission:

Labcorp Genetics (formerly Invitae), Labcorp
Classification: Pathogenic for Cornelia de Lange syndrome 1. Last evaluated: 2023-08-24. Review status: criteria provided, single submitter. Criteria: Invitae Variant Classification Sherloc (09022015). Collection method: clinical testing. Allele origin: germline.
Comment: For these reasons, this variant has been classified as Pathogenic. Algorithms developed to predict the effect of sequence changes on RNA splicing suggest that this variant may disrupt the consensus splice site. Disruption of this splice site has been observed in individual(s) with Cornelia de Lange syndrome (Invitae). This variant is not present in population databases (gnomAD no frequency). This sequence change affects an acceptor splice site in intron 33 of the NIPBL gene. It is expected to disrupt RNA splicing. Variants that disrupt the donor or acceptor splice site typically lead to a loss of protein function (PMID: 16199547), and loss-of-function variants in NIPBL are known to be pathogenic (PMID: 15318302, 19763162, 23505322, 29995837).

Literature cited by the submitters: PubMed 16199547; PubMed 15318302; PubMed 19763162; PubMed 23505322; PubMed 29995837.

NM_133433.4(NIPBL):c.5972-1G>C

Gene: NIPBL (NIPBL cohesin loading factor; plus strand). Cytogenetic location: 5p13.2.
Variant type: single nucleotide variant.
Coding change: c.5972-1G>C on transcript NM_133433.4 (MANE Select); the canonical splice acceptor site of the intron before coding-DNA position 5972, G replaced by C.
Molecular consequence: splice acceptor variant.
Genome position (GRCh38, 1-based): chr5:37,038,601, G>C. VCF-style: chr5-37038601-G-C. GRCh37 (hg19) VCF-style: chr5-37038703-G-C.
Other names: c.5972-1G>C (NM_015384.5).
Identifiers: ClinVar variation 2754881 (VCV002754881.3), dbSNP rs2478516683, ClinGen allele CA359497730.